The following is an entry in ClinVar:

NM_018925.3(PCDHGB5):c.1781C>T (p.Ser594Leu)

Genes: PCDHG@ (protocadherin gamma cluster; plus strand), PCDHGA1 (protocadherin gamma subfamily A, 1; plus strand), PCDHGA2 (protocadherin gamma subfamily A, 2; plus strand), PCDHGA3 (protocadherin gamma subfamily A, 3; plus strand), PCDHGA4 (protocadherin gamma subfamily A, 4; plus strand) and 9 more. Cytogenetic location: 5q31.3.
Variant type: single nucleotide variant.
Coding change: c.1781C>T on transcript NM_018925.3 (MANE Select); coding-DNA position 1781, C replaced by T.
Protein change: p.Ser594Leu; replaces serine 594 with leucine.
Molecular consequence: missense variant. On other transcripts: intron variant (12).
Genome position (GRCh38, 1-based): chr5:141,399,908, C>T. VCF-style: chr5-141399908-C-T. GRCh37 (hg19) VCF-style: chr5-140779475-C-T.
Other names: c.1781C>T, p.Ser594Leu (NM_032099.1); c.2421+66803C>T (NM_018912.3); c.2424+58513C>T (NM_018915.4); c.2424+53451C>T (NM_018916.4); c.2409+47239C>T (NM_018922.3); c.2514+42287C>T (NM_018917.4); c.2421+37352C>T (NM_018923.3); c.2421+33157C>T (NM_018918.3); and 5 more; short protein forms S594L.
Identifiers: ClinVar variation 2655853 (VCV002655853.24), dbSNP rs141997055, ClinGen allele CA3473679.

ClinVar aggregate classification (germline): Benign (1 of 4 stars; one submission).

Allele frequency attached by ClinVar (database versions not stated): 1000 Genomes Project 30x 0.00328; 1000 Genomes Project 0.00339; ESP Exome Variant Server 0.00681; TOPMed 0.00765; ExAC 0.00871.
gnomAD v4.1: 17,269 of 1,612,412 alleles (1.1%); highest among the groups gnomAD compares: Non-Finnish European, 1.2%; 105 homozygotes.

Submission:

CeGaT Center for Human Genetics Tuebingen
Classification: Benign. Last evaluated: 2023-08-01. Review status: criteria provided, single submitter. Criteria: CeGaT Center For Human Genetics Tuebingen Variant Classification Criteria Version 2. Collection method: clinical testing. Allele origin: germline. Affected: yes. Observed: 1 variant allele.
Comment: PCDHGB5: BS1, BS2